The following is an entry in ClinVar:

NM_005876.5(SPEG):c.6579A>T (p.Glu2193Asp)

Genes: ASIC4-AS1 (ASIC4 antisense RNA 1; minus strand), SPEG (striated muscle enriched protein kinase; plus strand). Cytogenetic location: 2q35.
Variant type: single nucleotide variant.
Coding change: c.6579A>T on transcript NM_005876.5 (MANE Select); coding-DNA position 6579, A replaced by T.
Protein change: p.Glu2193Asp; replaces glutamic acid 2193 with aspartic acid.
Molecular consequence: missense variant.
Genome position (GRCh38, 1-based): chr2:219,484,042, A>T. VCF-style: chr2-219484042-A-T. GRCh37 (hg19) VCF-style: chr2-220348764-A-T.
Other names: short protein forms E2193D.
Identifiers: ClinVar variation 1469412 (VCV001469412.6), dbSNP rs551879750, ClinGen allele CA2127055.

ClinVar aggregate classification (germline): Uncertain significance (1 of 4 stars; one submission).

Allele frequency attached by ClinVar (database versions not stated): ExAC 0.00001; gnomAD 0.00001; TOPMed 0.00001.
gnomAD v4.1: 18 of 1,613,224 alleles (0.0011%); highest among the groups gnomAD compares: Non-Finnish European, 0.0015%; no homozygotes.

Submission:

Labcorp Genetics (formerly Invitae), Labcorp
Classification: Uncertain significance. Last evaluated: 2022-10-05. Review status: criteria provided, single submitter. Criteria: Invitae Variant Classification Sherloc (09022015). Collection method: clinical testing. Allele origin: germline.
Comment: This variant has not been reported in the literature in individuals affected with SPEG-related conditions. In summary, the available evidence is currently insufficient to determine the role of this variant in disease. Therefore, it has been classified as a Variant of Uncertain Significance. Algorithms developed to predict the effect of missense changes on protein structure and function (SIFT, PolyPhen-2, Align-GVGD) all suggest that this variant is likely to be tolerated. ClinVar contains an entry for this variant (Variation ID: 1469412). This variant is present in population databases (rs551879750, gnomAD 0.005%). This sequence change replaces glutamic acid, which is acidic and polar, with aspartic acid, which is acidic and polar, at codon 2193 of the SPEG protein (p.Glu2193Asp).